The following is an entry in ClinVar:

ClinVar aggregate classification (germline): Benign. Review status: criteria provided, single submitter (1 of 4 stars). 2 submissions from 2 submitters: Benign (1). 1 of the submissions does not count toward it. Last evaluated 2025-08-18.

Conditions:
LMOD3-related disorder. Also called: LMOD3-related condition.
Nemaline myopathy 10 (NEM10). Identifiers: MedGen C4015360, MONDO:0014513, OMIM 616165.

Allele frequency attached by ClinVar (database versions not stated): gnomAD 0.00003 and 0.00006; TOPMed 0.00003; ESP Exome Variant Server 0.00008; gnomAD exomes 0.00014 and 0.00030; ExAC 0.00035.
gnomAD v4.1: 243 of 1,612,788 alleles (0.015%); highest among the groups gnomAD compares: South Asian, 0.21%; 4 homozygotes.

Submissions (2):

Labcorp Genetics (formerly Invitae), Labcorp
Classification: Benign for Nemaline myopathy 10. Last evaluated: 2025-08-18. Review status: criteria provided, single submitter. Criteria: Invitae Variant Classification Sherloc (09022015). Collection method: clinical testing. Allele origin: germline.

PreventionGenetics, part of Exact Sciences
Classification: Likely benign for LMOD3-related condition. Last evaluated: 2020-01-13. Review status: no assertion criteria provided. Collection method: clinical testing. Allele origin: germline. Not counted in ClinVar's aggregate classification.
Comment: This variant is classified as likely benign based on ACMG/AMP sequence variant interpretation guidelines (Richards et al. 2015 PMID: 25741868, with internal and published modifications).

NM_198271.5(LMOD3):c.1617A>G (p.Leu539=)

Gene: LMOD3 (leiomodin 3; minus strand). Cytogenetic location: 3p14.1.
Variant type: single nucleotide variant.
Coding change: c.1617A>G on transcript NM_198271.5 (MANE Select); coding-DNA position 1617, A replaced by G.
Protein change: p.Leu539=; no amino-acid change (leucine 539 retained).
Molecular consequence: synonymous variant.
Genome position (GRCh38, 1-based): chr3:69,118,738, T>C on the plus strand (A>G on the coding strand, the complement: LMOD3 is on the minus strand). VCF-style: chr3-69118738-T-C. GRCh37 (hg19) VCF-style: chr3-69167889-T-C.
Other names: c.1617A>G, p.Leu539= (NM_001304418.3).
Identifiers: ClinVar variation 703041 (VCV000703041.13), dbSNP rs374084990, ClinGen allele CA2488721.